The following is an entry in ClinVar:

NM_139076.3(ABRAXAS1):c.12_14delinsTAT (p.Glu4_Ser5delinsAspIle)

Genes: ABRAXAS1 (abraxas 1, BRCA1 A complex subunit; minus strand), LOC129992784 (ATAC-STARR-seq lymphoblastoid silent region 15542; plus strand). Cytogenetic location: 4q21.23.
Variant type: Indel.
Coding change: c.12_14delinsTAT on transcript NM_139076.3 (MANE Select); coding-DNA positions 12 to 14, GAG replaced by TAT.
Protein change: p.Glu4_Ser5delinsAspIle.
Molecular consequence: missense variant. On other transcripts: 5 prime UTR variant (1).
Genome position (GRCh38, 1-based): chr4:83,485,059-83,485,061, CTC replaced by ATA on the plus strand (GAG replaced by TAT on the coding strand, the reverse complement: ABRAXAS1 is on the minus strand). VCF-style: chr4-83485059-CTC-ATA. GRCh37 (hg19) VCF-style: chr4-84406212-CTC-ATA.
Other names: c.-249_-247delinsTAT (NM_001345962.2).
Identifiers: ClinVar variation 3010806 (VCV003010806.3), dbSNP rs2529473045, ClinGen allele CA2739289699.

ClinVar aggregate classification (germline): Uncertain significance (1 of 4 stars; one submission).

Submission:

Labcorp Genetics (formerly Invitae), Labcorp
Classification: Uncertain significance. Last evaluated: 2017-06-26. Review status: criteria provided, single submitter. Criteria: Invitae Variant Classification Sherloc (09022015). Collection method: clinical testing. Allele origin: germline.
Comment: Experimental studies and prediction algorithms are not available for this variant, and the functional significance of the disrupted amino acids is currently unknown. This variant, c.12_14delinsTAT, results in the deletion of 2 amino acids in codons 4-5 of the FAM175A protein and replaces them with 2 different amino acids (p.Glu4_Ser5delinsAspIle), but otherwise preserves the integrity of the reading frame. In summary, the available evidence is currently insufficient to determine the role of this variant in disease. Therefore, it has been classified as a Variant of Uncertain Significance. This variant has not been reported in the literature in individuals with FAM175A-related disease. This variant is not present in population databases (ExAC no frequency).